The following is an entry in ClinVar:

ClinVar aggregate classification (germline): Uncertain significance. Review status: criteria provided, multiple submitters, no conflicts (2 of 4 stars). 2 submissions from 2 submitters: Uncertain significance (2). Last evaluated 2023-11-13.

Conditions:
Inborn genetic diseases. Identifiers: MedGen C0950123, MeSH D030342.

gnomAD v4.1: 8 of 1,614,074 alleles (0.0005%); highest among the groups gnomAD compares: Non-Finnish European, 0.00059%; no homozygotes.

Submissions (2):

Ambry Genetics
Classification: Uncertain significance for Inborn genetic diseases. Last evaluated: 2023-11-13. Review status: criteria provided, single submitter. Criteria: Ambry Variant Classification Scheme 2023. Collection method: clinical testing. Allele origin: germline.

CeGaT Center for Human Genetics Tuebingen
Classification: Uncertain significance. Last evaluated: 2023-09-01. Review status: criteria provided, single submitter. Criteria: CeGaT Center For Human Genetics Tuebingen Variant Classification Criteria Version 2. Collection method: clinical testing. Allele origin: germline. Affected: yes. Observed: 1 variant allele.
Comment: AP4E1: PM2, BP4

NM_007347.5(AP4E1):c.1790A>C (p.His597Pro)

Gene: AP4E1 (adaptor related protein complex 4 subunit epsilon 1; plus strand). Cytogenetic location: 15q21.2.
Variant type: single nucleotide variant.
Coding change: c.1790A>C on transcript NM_007347.5 (MANE Select); coding-DNA position 1790, A replaced by C.
Protein change: p.His597Pro; replaces histidine 597 with proline.
Molecular consequence: missense variant.
Genome position (GRCh38, 1-based): chr15:50,958,733, A>C. VCF-style: chr15-50958733-A-C. GRCh37 (hg19) VCF-style: chr15-51250930-A-C.
Other names: c.1565A>C, p.His522Pro (NM_001252127.2); c.1790A>C (NM_007347.3); short protein forms H522P, H597P.
Identifiers: ClinVar variation 2582934 (VCV002582934.26), dbSNP rs776283292, ClinGen allele CA7559153.